The following is an entry in ClinVar:

NM_001123385.2(BCOR):c.3410_3411del (p.Lys1137fs)

Gene: BCOR (BCL6 corepressor; minus strand). Cytogenetic location: Xp11.4.
Variant type: Deletion.
Coding change: c.3410_3411del on transcript NM_001123385.2 (MANE Select); coding-DNA positions 3410 to 3411, 2 bases deleted (AA; older notation c.3410_3411delAA).
Protein change: p.Lys1137fs; shifts the reading frame from lysine 1137.
Molecular consequence: frameshift variant.
Genome position (GRCh38, 1-based): chrX:40,064,427-40,064,428, TT deleted on the plus strand (AA on the coding strand, the reverse complement: BCOR is on the minus strand); deleting any 2 consecutive bases within chrX:40,064,427-40,064,429 gives the same sequence; the c. name uses the placement nearest the transcript's 3' end. VCF-style (leftmost placement, unchanged base first): chrX-40064426-CTT-C. GRCh37 (hg19) VCF-style: chrX-39923679-CTT-C.
Other names: c.3410_3411delAA (NM_001123383.1); c.3409_3410delAA, p.Lys1137Serfs (NM_001123383.2); c.3356_3357del, p.Lys1119fs (NM_001123384.2); c.3410_3411del, p.Lys1137fs (NM_017745.6); short protein forms K1119fs, K1137fs.
Identifiers: ClinVar variation 465159 (VCV000465159.8), dbSNP rs1555915763, ClinGen allele CA658658971.

ClinVar aggregate classification (germline): Pathogenic. Review status: criteria provided, single submitter (1 of 4 stars). 2 submissions from 2 submitters: Pathogenic (1). 1 of the submissions does not count toward it. Last evaluated 2017-01-16.

Conditions:
Oculofaciocardiodental syndrome (MCOPS2). Identifiers: Orphanet 2712, MedGen C1846265, MONDO:0010261, OMIM 300166.
BCOR-related disorder. Also called: BCOR-related condition; BCOR-related disorders.

Submissions (2):

Labcorp Genetics (formerly Invitae), Labcorp
Classification: Pathogenic for Oculofaciocardiodental syndrome. Last evaluated: 2017-01-16. Review status: criteria provided, single submitter. Criteria: Invitae Variant Classification Sherloc (09022015). Collection method: clinical testing. Allele origin: germline.
Comment: This sequence change deletes 2 nucleotides from exon 7 of the BCOR mRNA (c.3410_3411delAA), causing a frameshift at codon 1137. This creates a premature translational stop signal (p.Lys1137Serfs*4) and is expected to result in an absent or disrupted protein product. While this particular variant has not been reported in the literature, loss-of-function variants in BCOR are known to be pathogenic (PMID: 15004558, 19367324). For these reasons, this variant has been classified as Pathogenic.

PreventionGenetics, part of Exact Sciences
Classification: Likely pathogenic for BCOR-related condition. Last evaluated: 2024-02-21. Review status: no assertion criteria provided. Collection method: clinical testing. Allele origin: germline. Not counted in ClinVar's aggregate classification.
Comment: The BCOR c.3410_3411delAA variant is predicted to result in a frameshift and premature protein termination (p.Lys1137Serfs*4). To our knowledge, this variant has not been reported in the literature. Loss of function variants in BCOR are known to cause oculofaciocardiodental (OFCD) syndrome in females (Hilton et al. 2009. PubMed ID: 19367324). This variant has not been reported in a large population database, indicating this variant is rare. In summary, we interpret this variant as likely pathogenic.

Literature cited by the submitters: PubMed 15004558 (cited by Labcorp Genetics (formerly Invitae), Labcorp); PubMed 19367324 (cited by Labcorp Genetics (formerly Invitae), Labcorp).